The following is an entry in ClinVar:

NM_138694.4(PKHD1):c.7195del (p.Glu2399fs)

Gene: PKHD1 (PKHD1 ciliary IPT domain containing fibrocystin/polyductin; minus strand). Cytogenetic location: 6p12.2.
Variant type: Deletion.
Coding change: c.7195del on transcript NM_138694.4 (MANE Select); coding-DNA position 7195, one base deleted (G; older notation c.7195delG).
Protein change: p.Glu2399fs; shifts the reading frame from glutamic acid 2399.
Molecular consequence: frameshift variant.
Genome position (GRCh38, 1-based): chr6:51,885,887, C deleted on the plus strand (G on the coding strand, the reverse complement: PKHD1 is on the minus strand); the first of 3 consecutive C bases (chr6:51,885,887-51,885,889); deleting any one gives the same sequence. VCF-style (leftmost placement, unchanged base first): chr6-51885886-TC-T. GRCh37 (hg19) VCF-style: chr6-51750684-TC-T.
Other names: c.7195del, p.Glu2399fs (NM_170724.3); c.7195delG (NM_138694.3); short protein forms E2399fs.
Identifiers: ClinVar variation 2156967 (VCV002156967.6), dbSNP rs2536225023, ClinGen allele CA2580075468.

ClinVar aggregate classification (germline): Pathogenic/Likely pathogenic. Review status: criteria provided, multiple submitters, no conflicts (2 of 4 stars). 3 submissions from 3 submitters: Pathogenic (1); Likely pathogenic (2). Last evaluated 2025-04-17.

Conditions:
Autosomal recessive polycystic kidney disease (ARPKD). Also called: AR polycystic kidney disease. Identifiers: Orphanet 731, Orphanet 8378, MedGen C0085548, MeSH D017044, MONDO:0009889.
Polycystic kidney disease 4 (PKD4). Also called: POLYCYSTIC KIDNEY DISEASE 4 WITH OR WITHOUT POLYCYSTIC LIVER DISEASE; PKD3; Autosomal Recessive Polycystic Kidney Disease – PKHD1; POLYCYSTIC KIDNEY AND HEPATIC DISEASE 1; POLYCYSTIC KIDNEY DISEASE, INFANTILE, TYPE I. Identifiers: MedGen C4540575, MONDO:0033004, OMIM 263200.

Submissions (3):

Labcorp Genetics (formerly Invitae), Labcorp
Classification: Pathogenic for Autosomal recessive polycystic kidney disease. Last evaluated: 2025-04-17. Review status: criteria provided, single submitter. Criteria: Invitae Variant Classification Sherloc (09022015). Collection method: clinical testing. Allele origin: germline.
Comment: This sequence change creates a premature translational stop signal (p.Glu2399Lysfs*16) in the PKHD1 gene. It is expected to result in an absent or disrupted protein product. Loss-of-function variants in PKHD1 are known to be pathogenic (PMID: 19940839). This variant is not present in population databases (gnomAD no frequency). This variant has not been reported in the literature in individuals affected with PKHD1-related conditions. ClinVar contains an entry for this variant (Variation ID: 2156967). For these reasons, this variant has been classified as Pathogenic.

Natera, Inc.
Classification: Likely pathogenic for Autosomal recessive polycystic kidney disease. Last evaluated: 2025-03-31. Review status: criteria provided, single submitter. Criteria: Natera Variant Classification Schema (03/2026). Collection method: clinical testing. Allele origin: germline.
Comment: The c.7195delG variant in PKHD1 is a frameshift variant predicted to shift the reading frame beginning at codon 2399 and leads to a stop codon 16 codons downstream. This variant is expected to result in nonsense mediated decay, truncation, or a dysfunctional protein product. This variant is rare in the general population with a frequency below the threshold expected for the associated phenotype(s). Given the available evidence, this variant is classified as Likely Pathogenic.

Fulgent Genetics
Classification: Likely pathogenic for Polycystic kidney disease 4. Last evaluated: 2024-06-06. Review status: criteria provided, single submitter. Criteria: ACMG Guidelines, 2015. Collection method: clinical testing. Allele origin: germline.

Literature cited by the submitters: PubMed 19940839 (cited by Labcorp Genetics (formerly Invitae), Labcorp).